The following is an entry in ClinVar:

ClinVar aggregate classification (germline): Uncertain significance. Review status: criteria provided, single submitter (1 of 4 stars). 2 submissions from 2 submitters: Uncertain significance (1). 1 of the submissions does not count toward it. Last evaluated 2020-10-19.

Conditions:
Anauxetic dysplasia. Identifiers: Orphanet 93347, MedGen C1846796, MONDO:0011773.
Metaphyseal chondrodysplasia, McKusick type (CHH). Also called: Cartilage-hair hypoplasia; Cartilage-Hair Hypoplasia (CHH). Identifiers: Orphanet 175, MedGen C0220748, MONDO:0009595, OMIM 250250.

gnomAD v4.1: 9 of 700,214 alleles (0.0013%); highest among the groups gnomAD compares: African/African-American, 0.0018%; no homozygotes.

Submissions (2):

Labcorp Genetics (formerly Invitae), Labcorp
Classification: Uncertain significance for Anauxetic dysplasia. Last evaluated: 2020-10-19. Review status: criteria provided, single submitter. Criteria: Invitae Variant Classification Sherloc (09022015). Collection method: clinical testing. Allele origin: germline.
Comment: This variant occurs in the RMRP gene, which encodes an RNA molecule that does not result in a protein product. The frequency data for this variant in the population databases is considered unreliable, as metrics indicate insufficient coverage at this position in the ExAC database. This variant has not been reported in the literature in individuals with RMRP-related conditions. Experimental studies and prediction algorithms are not available or were not evaluated, and the functional significance of this variant is currently unknown. In summary, the available evidence is currently insufficient to determine the role of this variant in disease. Therefore, it has been classified as a Variant of Uncertain Significance.

Natera, Inc.
Classification: Uncertain significance for Cartilage-hair hypoplasia. Last evaluated: 2021-08-04. Review status: no assertion criteria provided. Collection method: clinical testing. Allele origin: germline. Not counted in ClinVar's aggregate classification.

NR_003051.4(RMRP):n.158G>A

Gene: RMRP (RNA component of mitochondrial RNA processing endoribonuclease; minus strand). Cytogenetic location: 9p13.3.
Variant type: single nucleotide variant.
Genome position: GRCh38 VCF-style: chr9-35657862-C-T. GRCh37 (hg19) VCF-style: chr9-35657859-C-T.
Identifiers: ClinVar variation 1006089 (VCV001006089.3), dbSNP rs7021463, ClinGen allele CA464450679.
Genomic context (GRCh38, chr9:35,657,862, plus strand): 5'-CCTGCGTAACTAGAGGGAGCTGACGGATGACGCCCCCGCGCCACGCCGCTCAGCGGGATA[C>T]GCTTCTTGGCGGACTTTGGAGTGGGAAGCGGGGAATGTCTACGTGCGTATGCACGTGGCA-3'